The following is an entry in ClinVar:

NM_006231.4(POLE):c.1360-14C>T

Gene: POLE (DNA polymerase epsilon, catalytic subunit; minus strand). Cytogenetic location: 12q24.33.
Variant type: single nucleotide variant.
Coding change: c.1360-14C>T on transcript NM_006231.4 (MANE Select); 14 bases into the intron before coding-DNA position 1360, C replaced by T.
Molecular consequence: intron variant.
Genome position (GRCh38, 1-based): chr12:132,673,291, G>A on the plus strand (C>T on the coding strand, the complement: POLE is on the minus strand). VCF-style: chr12-132673291-G-A. GRCh37 (hg19) VCF-style: chr12-133249877-G-A.
Other names: c.1360-14C>T (NM_006231.3).
Identifiers: ClinVar variation 381760 (VCV000381760.11), dbSNP rs757413516, ClinGen allele CA6893979.
Genomic context (GRCh38, chr12:132,673,291, plus strand): 5'-AGGTAGTAAGTGGCGACAGCATCTGACACAGAATACGTGGCCAGAGTCTGAGGAGAGAAC[G>A]CCAGAGAGCAGGGCCATCAAAAATCAAGAGCCCAGGGTCAAGTGTGAAGCACAGAAAGCA-3'

ClinVar aggregate classification (germline): Conflicting classifications of pathogenicity. Review status: criteria provided, conflicting classifications (1 of 4 stars). 5 submissions from 5 submitters: Uncertain significance (1); Likely benign (4). Last evaluated 2025-12-08.

Conditions:
POLE-related polyposis and colorectal cancer syndrome. Identifiers: MedGen CN324030, MONDO:0100287.
Colorectal cancer, susceptibility to, 12 (CRCS12). Also called: COLORECTAL CANCER, SUSCEPTIBILITY TO, ON CHROMOSOME 12q24. Identifiers: Orphanet 220460, MedGen C3554460, MONDO:0014038, OMIM 615083.
Inherited polyposis and early onset colorectal cancer - germline testing.

Allele frequency attached by ClinVar (database versions not stated): gnomAD exomes 0.00001; ExAC 0.00002; gnomAD 0.00002; TOPMed 0.00004.
gnomAD v4.1: 11 of 1,539,602 alleles (0.00071%); highest among the groups gnomAD compares: African/African-American, 0.0055%; no homozygotes.

Submissions (5):

Labcorp Genetics (formerly Invitae), Labcorp
Classification: Likely benign. Last evaluated: 2025-12-08. Review status: criteria provided, single submitter. Criteria: Invitae Variant Classification Sherloc (09022015). Collection method: clinical testing. Allele origin: germline.

Myriad Genetics, Inc.
Classification: Likely benign for Colorectal cancer, susceptibility to, 12. Last evaluated: 2025-02-11. Review status: criteria provided, single submitter. Criteria: Myriad Autosomal Dominant, Autosomal Recessive and X-Linked Classification Criteria (2023). Collection method: clinical testing. Allele origin: unknown.
Comment: This variant is considered likely benign. This variant is intronic and is not expected to impact mRNA splicing.

Genomics and Molecular Medicine Service, East Genomic Laboratory Hub, NHS Genomic Medicine Service
Classification: Uncertain significance for Inherited polyposis and early onset colorectal cancer - germline testing. Last evaluated: 2024-10-15. Review status: criteria provided, single submitter. Criteria: ACGS Best Practice Guidelines for Variant Classification in Rare Disease 2020. Collection method: clinical testing. Allele origin: germline. Affected: yes.
Comment: BP4

Department of Pathology and Laboratory Medicine, Sinai Health System
Classification: Likely benign for POLE-related polyposis and colorectal cancer syndrome. Last evaluated: 2019-12-06. Review status: criteria provided, single submitter. Criteria: ACMG Guidelines, 2015. Collection method: clinical testing. Allele origin: germline. Affected: yes.

GeneDx
Classification: Likely benign. Last evaluated: 2015-11-17. Review status: criteria provided, single submitter. Criteria: GeneDx Variant Classification (06012015). Collection method: clinical testing. Allele origin: germline. Affected: yes.
Comment: This variant is considered likely benign or benign based on one or more of the following criteria: it is a conservative change, it occurs at a poorly conserved position in the protein, it is predicted to be benign by multiple in silico algorithms, and/or has population frequency not consistent with disease.